The following is an entry in ClinVar:

ClinVar aggregate classification (germline): Pathogenic (1 of 4 stars; one submission).

Submission:

Labcorp Genetics (formerly Invitae), Labcorp
Classification: Pathogenic. Last evaluated: 2023-02-16. Review status: criteria provided, single submitter. Criteria: Invitae Variant Classification Sherloc (09022015). Collection method: clinical testing. Allele origin: germline.
Comment: Algorithms developed to predict the effect of sequence changes on RNA splicing suggest that this variant may disrupt the consensus splice site. For these reasons, this variant has been classified as Pathogenic. This variant has not been reported in the literature in individuals affected with USH2A-related conditions. This variant is not present in population databases (gnomAD no frequency). This sequence change creates a premature translational stop signal (p.Tyr3807*) in the USH2A gene. It is expected to result in an absent or disrupted protein product. Loss-of-function variants in USH2A are known to be pathogenic (PMID: 10729113, 10909849, 20507924, 25649381).

Literature cited by the submitters: PubMed 10729113; PubMed 10909849; PubMed 20507924; PubMed 25649381.

NM_206933.4(USH2A):c.11421C>A (p.Tyr3807Ter)

Gene: USH2A (usherin; minus strand). Cytogenetic location: 1q41.
Variant type: single nucleotide variant.
Coding change: c.11421C>A on transcript NM_206933.4 (MANE Select); coding-DNA position 11421, C replaced by A.
Protein change: p.Tyr3807Ter; replaces tyrosine 3807 with a stop codon.
Molecular consequence: nonsense.
Genome position (GRCh38, 1-based): chr1:215,743,304, G>T on the plus strand (C>A on the coding strand, the complement: USH2A is on the minus strand). VCF-style: chr1-215743304-G-T. GRCh37 (hg19) VCF-style: chr1-215916646-G-T.
Other names: short protein forms Y3807*.
Identifiers: ClinVar variation 2837776 (VCV002837776.3), dbSNP rs2465070224, ClinGen allele CA344835463.